The following is an entry in ClinVar:

ClinVar aggregate classification (germline): Uncertain significance (1 of 4 stars; one submission).

Submission:

GeneDx
Classification: Uncertain significance. Last evaluated: 2025-07-09. Review status: criteria provided, single submitter. Criteria: GeneDx Variant Classification Process June 2021. Collection method: clinical testing. Allele origin: germline. Affected: yes.
Comment: Not observed at significant frequency in large population cohorts (gnomAD); In silico analysis supports that this missense variant has a deleterious effect on protein structure/function; Has not been previously published as pathogenic or benign to our knowledge

NM_145868.2(ANXA11):c.140G>A (p.Gly47Glu)

Gene: ANXA11 (annexin A11; minus strand). Cytogenetic location: 10q22.3.
Variant type: single nucleotide variant.
Coding change: c.140G>A on transcript NM_145868.2 (MANE Select); coding-DNA position 140, G replaced by A.
Protein change: p.Gly47Glu; replaces glycine 47 with glutamic acid.
Molecular consequence: missense variant.
Genome position (GRCh38, 1-based): chr10:80,170,831, C>T on the plus strand (G>A on the coding strand, the complement: ANXA11 is on the minus strand). VCF-style: chr10-80170831-C-T. GRCh37 (hg19) VCF-style: chr10-81930587-C-T.
Other names: c.140G>A, p.Gly47Glu (NM_001157.3, NM_001278407.2, NM_001278408.2 and 1 more transcripts); c.41G>A, p.Gly14Glu (NM_001278409.2); short protein forms G14E, G47E.
Identifiers: ClinVar variation 4685398 (VCV004685398.1).